The following is an entry in ClinVar:

ClinVar aggregate classification (germline): Pathogenic (1 of 4 stars; one submission).

Conditions:
Bardet-Biedl syndrome (BBS). Identifiers: Orphanet 110, MedGen C0752166, MONDO:0015229.

Submission:

Labcorp Genetics (formerly Invitae), Labcorp
Classification: Pathogenic for Bardet-Biedl syndrome. Last evaluated: 2023-07-25. Review status: criteria provided, single submitter. Criteria: Invitae Variant Classification Sherloc (09022015). Collection method: clinical testing. Allele origin: unknown.
Comment: This variant is a gross deletion of the genomic region encompassing exon(s) 12-13 of the BBS1 gene. This deletion is out-of-frame, and is expected to create a premature termination codon and result in an absent or disrupted protein product. Loss-of-function variants in BBS1 are known to be pathogenic (PMID: 12118255, 21520335, 27032803). This variant has not been reported in the literature in individuals affected with BBS1-related conditions. For these reasons, this variant has been classified as Pathogenic.

Literature cited by the submitters: PubMed 12118255; PubMed 21520335; PubMed 27032803.

NC_000011.9:g.(?_66293574)_(66294298_?)del

Gene: BBS1 (Bardet-Biedl syndrome 1; plus strand). Cytogenetic location: 11q13.2.
Variant type: Deletion.
Identifiers: ClinVar variation 3244595 (VCV003244595.1).